The following is an entry in ClinVar:

ClinVar aggregate classification (germline): Uncertain significance (1 of 4 stars; one submission).

Submission:

GeneDx
Classification: Uncertain significance. Last evaluated: 2012-07-20. Review status: criteria provided, single submitter. Criteria: GeneDx Variant Classification (06012015). Collection method: clinical testing. Allele origin: germline. Affected: yes.
Comment: c.2423+3 G>T:IVS21+3 G>T in intron 21 of the MYH7 gene (NM_000257.2). The c.2423+3 G>T variant in the MYH7 gene has not been reported as a disease-causing mutation or as a benign polymorphism to our knowledge. Although one splice prediction program indicates c.2423+3 G>T abolishes the natural splice donor site, two other programs predict this change slightly weakens the splice site. The NHLBI ESP Exome Variant Server reports c.2423+3 G>T was not observed in approximately 6500 samples from individuals of European and African American backgrounds, indicating it is not a common benign variant in these populations. In summary, the clinical significance of the c.2423+3 G>T variant in the MYH7 gene is currently unknown. The variant is found in HCM panel(s).

NM_000257.4(MYH7):c.2423+3G>T

Genes: MYH7 (myosin heavy chain 7; minus strand), LOC126861898 (BRD4-independent group 4 enhancer GRCh37_chr14:23893609-23894808; plus strand). Cytogenetic location: 14q11.2.
Variant type: single nucleotide variant.
Coding change: c.2423+3G>T on transcript NM_000257.4 (MANE Select); 3 bases into the intron after coding-DNA position 2423, G replaced by T.
Molecular consequence: intron variant.
Genome position (GRCh38, 1-based): chr14:23,425,279, C>A on the plus strand (G>T on the coding strand, the complement: MYH7 is on the minus strand). VCF-style: chr14-23425279-C-A. GRCh37 (hg19) VCF-style: chr14-23894488-C-A.
Other names: c.2423+3G>T (LRG_384t1).
Identifiers: ClinVar variation 181185 (VCV000181185.2), dbSNP rs730880739, ClinGen allele CA012311.
Genomic context (GRCh38, chr14:23,425,279, plus strand): 5'-ACACTGCCCCTGAACCAGCCTGGGCCTCAGAGAAGCGGGAAACCTCCTCTTGAGATCTCT[C>A]ACCTACGTTCCAGCAGCTTTTTGTACTCCATTCTGGCGAGCACACCTCGGGACTGGGCCT-3'